The following is an entry in ClinVar:

ClinVar aggregate classification (germline): Uncertain significance (1 of 4 stars; one submission).

Conditions:
Arrhythmogenic cardiomyopathy with wooly hair and keratoderma. Also called: Carvajal syndrome; PALMOPLANTAR KERATODERMA WITH LEFT VENTRICULAR CARDIOMYOPATHY AND WOOLLY HAIR; Dilated cardiomyopathy with woolly hair and keratoderma; Arrhythmogenic cardiomyopathy with woolly hair and keratoderma. Identifiers: Orphanet 65282, MedGen C1854063, MONDO:0011581, OMIM 605676.
Arrhythmogenic right ventricular dysplasia 8 (ARVD8). Also called: Arrhythmogenic Right Ventricular Dysplasia/Cardiomyopathy 8; ARRHYTHMOGENIC RIGHT VENTRICULAR DYSPLASIA, FAMILIAL, 8; ARRHYTHMOGENIC RIGHT VENTRICULAR CARDIOMYOPATHY 8. Identifiers: MedGen C1843896, MONDO:0011831, OMIM 607450.

Submission:

Labcorp Genetics (formerly Invitae), Labcorp
Classification: Uncertain significance for Arrhythmogenic cardiomyopathy with wooly hair and keratoderma; Arrhythmogenic right ventricular dysplasia 8. Last evaluated: 2025-07-02. Review status: criteria provided, single submitter. Criteria: Invitae Variant Classification Sherloc (09022015). Collection method: clinical testing. Allele origin: germline.
Comment: This sequence change replaces glutamine, which is neutral and polar, with histidine, which is basic and polar, at codon 845 of the DSP protein (p.Gln845His). This variant is not present in population databases (gnomAD no frequency). This variant has not been reported in the literature in individuals affected with DSP-related conditions. An algorithm developed to predict the effect of missense changes on protein structure and function (PolyPhen-2) suggests that this variant is likely to be disruptive. In summary, the available evidence is currently insufficient to determine the role of this variant in disease. Therefore, it has been classified as a Variant of Uncertain Significance.

NM_004415.4(DSP):c.2535G>C (p.Gln845His)

Gene: DSP (desmoplakin; plus strand). Cytogenetic location: 6p24.3.
Variant type: single nucleotide variant.
Coding change: c.2535G>C on transcript NM_004415.4 (MANE Select); coding-DNA position 2535, G replaced by C.
Protein change: p.Gln845His; replaces glutamine 845 with histidine.
Molecular consequence: missense variant.
Genome position (GRCh38, 1-based): chr6:7,575,393, G>C. VCF-style: chr6-7575393-G-C. GRCh37 (hg19) VCF-style: chr6-7575626-G-C.
Other names: c.2535G>C, p.Gln845His (NM_001008844.3, NM_001319034.2); short protein forms Q845H.
Identifiers: ClinVar variation 4785457 (VCV004785457.1).